The following is an entry in ClinVar:

NM_007294.4(BRCA1):c.205dup (p.Thr69fs)

Gene: BRCA1 (BRCA1 DNA repair associated; minus strand). Cytogenetic location: 17q21.31.
Variant type: Duplication.
Coding change: c.205dup on transcript NM_007294.4 (MANE Select); coding-DNA position 205, one base duplicated (A; older notation c.205dupA).
Protein change: p.Thr69fs; shifts the reading frame from threonine 69.
Molecular consequence: frameshift variant.
Genome position (GRCh38, 1-based): chr17:43,106,463, T duplicated on the plus strand (A on the coding strand, the reverse complement: BRCA1 is on the minus strand); the first of 2 consecutive T bases (chr17:43,106,463-43,106,464); duplicating either gives the same sequence. VCF-style (leftmost placement, unchanged base first): chr17-43106462-G-GT. GRCh37 (hg19) VCF-style: chr17-41258479-G-GT.
Other names: 322insA; c.205dupA (NM_007294.3); c.204dup, p.Thr69Asnfs (NM_001407593.1, NM_001407594.1, NM_001407596.1 and 166 more transcripts); c.63dup, p.Thr22Asnfs (NM_001407692.1, NM_001407694.1, NM_001407695.1 and 98 more transcripts); c.64dup, p.Thr22fs (NM_007297.4); c.205dup, p.Thr69fs (NM_007299.4, NM_007300.4); short protein forms T69fs, T22fs.
Identifiers: ClinVar variation 254370 (VCV000254370.3), dbSNP rs273898673, ClinGen allele CA001352.

ClinVar aggregate classification (germline): Pathogenic. Review status: reviewed by expert panel (3 of 4 stars). 2 submissions from 2 submitters: Pathogenic (1). 1 of the submissions does not count toward it. Last evaluated 2016-09-08.

Conditions:
Breast-ovarian cancer, familial, susceptibility to, 1 (BROVCA1). Also called: BRCA1 Hereditary Breast and Ovarian Cancer; OVARIAN CANCER, SUSCEPTIBILITY TO. Identifiers: Orphanet 145, MedGen C2676676, MONDO:0011450, OMIM 604370. Disease mechanism: loss of function.

Submissions (2):

Evidence-based Network for the Interpretation of Germline Mutant Alleles (ENIGMA)
Classification: Pathogenic for Breast-ovarian cancer, familial, susceptibility to, 1. Last evaluated: 2016-09-08. Review status: reviewed by expert panel. Criteria: ENIGMA BRCA1/2 Classification Criteria (2015). Collection method: curation. Allele origin: germline.
Comment: Variant allele predicted to encode a truncated non-functional protein.

Breast Cancer Information Core (BIC) (BRCA1)
Classification: Pathogenic for Breast-ovarian cancer, familial 1. Last evaluated: 2010-12-17. Review status: no assertion criteria provided. Collection method: clinical testing. Allele origin: germline. Affected: yes. Observed: 1 variant allele. Not counted in ClinVar's aggregate classification.